The following is an entry in ClinVar:

NM_015205.3(ATP11A):c.2082C>T (p.Ala694=)

Gene: ATP11A (ATPase phospholipid transporting 11A; plus strand). Cytogenetic location: 13q34.
Variant type: single nucleotide variant.
Coding change: c.2082C>T on transcript NM_015205.3 (MANE Select); coding-DNA position 2082, C replaced by T.
Protein change: p.Ala694=; no amino-acid change (alanine 694 retained).
Molecular consequence: synonymous variant.
Genome position (GRCh38, 1-based): chr13:112,854,369, C>T. VCF-style: chr13-112854369-C-T. GRCh37 (hg19) VCF-style: chr13-113508683-C-T.
Other names: c.2082C>T, p.Ala694= (NM_001405661.1, NM_001405662.1, NM_001405663.1 and 1 more transcripts).
Identifiers: ClinVar variation 3771031 (VCV003771031.13).

ClinVar aggregate classification (germline): Likely benign (1 of 4 stars; one submission).

gnomAD v4.1: 167 of 1,613,938 alleles (0.01%); highest among the groups gnomAD compares: Middle Eastern, 0.016%; no homozygotes.

Submission:

CeGaT Center for Human Genetics Tuebingen
Classification: Likely benign. Last evaluated: 2025-01-01. Review status: criteria provided, single submitter. Criteria: CeGaT Center For Human Genetics Tuebingen Variant Classification Criteria Version 2. Collection method: clinical testing. Allele origin: germline. Affected: yes. Observed: 1 variant allele.
Comment: ATP11A: BP4, BP7